The following is an entry in ClinVar:

ClinVar aggregate classification (germline): Uncertain significance (1 of 4 stars; one submission).

Allele frequency attached by ClinVar (database versions not stated): gnomAD exomes below 0.00001; gnomAD 0.00001; ExAC 0.00002.
gnomAD v4.1: 3 of 1,612,718 alleles (0.00019%); highest among the groups gnomAD compares: Admixed American, 0.005%; no homozygotes.

Submission:

Labcorp Genetics (formerly Invitae), Labcorp
Classification: Uncertain significance. Last evaluated: 2022-10-12. Review status: criteria provided, single submitter. Criteria: Invitae Variant Classification Sherloc (09022015). Collection method: clinical testing. Allele origin: germline.
Comment: In summary, the available evidence is currently insufficient to determine the role of this variant in disease. Therefore, it has been classified as a Variant of Uncertain Significance. Advanced modeling of protein sequence and biophysical properties (such as structural, functional, and spatial information, amino acid conservation, physicochemical variation, residue mobility, and thermodynamic stability) performed at Invitae indicates that this missense variant is not expected to disrupt CEP152 protein function. This variant has not been reported in the literature in individuals affected with CEP152-related conditions. This variant is present in population databases (rs746401105, gnomAD 0.006%). This sequence change replaces valine, which is neutral and non-polar, with leucine, which is neutral and non-polar, at codon 948 of the CEP152 protein (p.Val948Leu).

NM_001194998.2(CEP152):c.2842G>C (p.Val948Leu)

Gene: CEP152 (centrosomal protein 152; minus strand). Cytogenetic location: 15q21.1.
Variant type: single nucleotide variant.
Coding change: c.2842G>C on transcript NM_001194998.2 (MANE Select); coding-DNA position 2842, G replaced by C.
Protein change: p.Val948Leu; replaces valine 948 with leucine.
Molecular consequence: missense variant.
Genome position (GRCh38, 1-based): chr15:48,756,406, C>G on the plus strand (G>C on the coding strand, the complement: CEP152 is on the minus strand). VCF-style: chr15-48756406-C-G. GRCh37 (hg19) VCF-style: chr15-49048603-C-G.
Other names: c.2842G>C, p.Val948Leu (NM_014985.4); short protein forms V948L.
Identifiers: ClinVar variation 2150223 (VCV002150223.4), dbSNP rs746401105, ClinGen allele CA7548463.